The following is an entry in ClinVar:

NM_020928.2(ZSWIM6):c.2065A>G (p.Thr689Ala)

Gene: ZSWIM6 (zinc finger SWIM-type containing 6; plus strand). Cytogenetic location: 5q12.1.
Variant type: single nucleotide variant.
Coding change: c.2065A>G on transcript NM_020928.2 (MANE Select); coding-DNA position 2065, A replaced by G.
Protein change: p.Thr689Ala; replaces threonine 689 with alanine.
Molecular consequence: missense variant.
Genome position (GRCh38, 1-based): chr5:61,531,545, A>G. VCF-style: chr5-61531545-A-G. GRCh37 (hg19) VCF-style: chr5-60827372-A-G.
Other names: short protein forms T689A.
Identifiers: ClinVar variation 2876057 (VCV002876057.3), dbSNP rs912842794, ClinGen allele CA119663030.
Genomic context (GRCh38, chr5:61,531,545, plus strand): 5'-TCTCTGGAATACCAGCATCTACCTGCACACAAATTCTTAGAAGAAGGGGAATCCTATTTA[A>G]CGCTGGCTGTGGAAGTAGCCCTGATAGGGCTAGGACAGCAGCGTATCATGCCTGATGGGC-3'
Protein context (NP_065979.1, residues 679-699): KFLEEGESYL[Thr689Ala]LAVEVALIGL

ClinVar aggregate classification (germline): Uncertain significance (1 of 4 stars; one submission).

Allele frequency attached by ClinVar (database versions not stated): gnomAD exomes below 0.00001; TOPMed below 0.00001; gnomAD 0.00001.
gnomAD v4.1: 3 of 1,551,564 alleles (0.00019%); highest among the groups gnomAD compares: Non-Finnish European, 0.00026%; no homozygotes.

Submission:

Labcorp Genetics (formerly Invitae), Labcorp
Classification: Uncertain significance. Last evaluated: 2023-12-08. Review status: criteria provided, single submitter. Criteria: Invitae Variant Classification Sherloc (09022015). Collection method: clinical testing. Allele origin: germline.
Comment: This sequence change replaces threonine, which is neutral and polar, with alanine, which is neutral and non-polar, at codon 689 of the ZSWIM6 protein (p.Thr689Ala). This variant is not present in population databases (gnomAD no frequency). This variant has not been reported in the literature in individuals affected with ZSWIM6-related conditions. Advanced modeling of protein sequence and biophysical properties (such as structural, functional, and spatial information, amino acid conservation, physicochemical variation, residue mobility, and thermodynamic stability) performed at Invitae indicates that this missense variant is not expected to disrupt ZSWIM6 protein function with a negative predictive value of 80%. In summary, the available evidence is currently insufficient to determine the role of this variant in disease. Therefore, it has been classified as a Variant of Uncertain Significance.